The following is an entry in ClinVar:

NM_000089.4(COL1A2):c.433-2A>G

Gene: COL1A2 (collagen type I alpha 2 chain; plus strand). Cytogenetic location: 7q21.3.
Variant type: single nucleotide variant.
Coding change: c.433-2A>G on transcript NM_000089.4 (MANE Select); the canonical splice acceptor site of the intron before coding-DNA position 433, A replaced by G.
Molecular consequence: splice acceptor variant.
Genome position (GRCh38, 1-based): chr7:94,405,197, A>G. VCF-style: chr7-94405197-A-G. GRCh37 (hg19) VCF-style: chr7-94034509-A-G.
Identifiers: ClinVar variation 456840 (VCV000456840.2), dbSNP rs1554395471, ClinGen allele CA368219755.

ClinVar aggregate classification (germline): Pathogenic/Likely pathogenic. Review status: criteria provided, multiple submitters, no conflicts (2 of 4 stars). 2 submissions from 2 submitters: Pathogenic (1); Likely pathogenic (1). Last evaluated 2019-11-25.

Conditions:
Ehlers-Danlos syndrome, classic type (cEDS). Identifiers: Orphanet 287, MedGen C4225429, MONDO:0007522.
Osteogenesis imperfecta type I (OI1). Also called: OI, TYPE I; OSTEOGENESIS IMPERFECTA TARDA; OSTEOGENESIS IMPERFECTA WITH BLUE SCLERAE; Osteogenesis imperfecta type 1; Lobstein's Disease; Lobstein disease. Identifiers: Orphanet 216796, Orphanet 666, MedGen C0023931, MONDO:0008146, OMIM 166200. Disease mechanism: loss of function.
Osteogenesis imperfecta (OI). Identifiers: Orphanet 666, MedGen C0029434, MeSH D010013, MONDO:0019019.

Submissions (2):

Cambridge Genomics Laboratory, East Genomic Laboratory Hub, NHS Genomic Medicine Service
Classification: Pathogenic for Osteogenesis imperfecta. Last evaluated: 2019-11-25. Review status: criteria provided, single submitter. Criteria: ACGS Best Practice Guidelines for Variant Classification in Rare Disease 2020. Collection method: clinical testing. Allele origin: germline. Affected: yes. Observed: 1 variant allele.

Labcorp Genetics (formerly Invitae), Labcorp
Classification: Likely pathogenic for Osteogenesis imperfecta type I; Ehlers-Danlos syndrome, classic type, 1. Last evaluated: 2017-04-17. Review status: criteria provided, single submitter. Criteria: Invitae Variant Classification Sherloc (09022015). Collection method: clinical testing. Allele origin: germline.
Comment: This sequence change affects an acceptor splice site in intron 9 of the COL1A2 gene. It is expected to disrupt RNA splicing and likely results in an absent or disrupted protein product. This variant has been reported in individuals in the Leiden Open-source Variation Database (PMID: 21520333). In summary, donor and acceptor splice site variants are typically loss-of-function (PMID: 16199547), and loss-of-function variants in COL1A2 are known to be pathogenic (PMID: 8081389, 2454224, 16816023). However, without additional functional and/or genetic data, this variant has been classified as Likely Pathogenic.